The following is an entry in ClinVar:

ClinVar aggregate classification (germline): Uncertain significance (1 of 4 stars; one submission).

Conditions:
Methylmalonic acidemia due to transcobalamin receptor defect (MATR). Also called: METHYLMALONIC ACIDEMIA, TCblR TYPE; METHYLMALONIC ACIDURIA, TRANSIENT, DUE TO TRANSCOBALAMIN RECEPTOR DEFECT. Identifiers: Orphanet 280183, MedGen C4749905, MONDO:0013341, OMIM 613646.

Submission:

Labcorp Genetics (formerly Invitae), Labcorp
Classification: Uncertain significance for Methylmalonic acidemia due to transcobalamin receptor defect. Last evaluated: 2022-11-01. Review status: criteria provided, single submitter. Criteria: Invitae Variant Classification Sherloc (09022015). Collection method: clinical testing. Allele origin: germline.
Comment: In summary, the available evidence is currently insufficient to determine the role of this variant in disease. Therefore, it has been classified as a Variant of Uncertain Significance. Algorithms developed to predict the effect of missense changes on protein structure and function output the following: SIFT: "Tolerated"; PolyPhen-2: "Benign"; Align-GVGD: "Class C0". The proline amino acid residue is found in multiple mammalian species, which suggests that this missense change does not adversely affect protein function. This variant has not been reported in the literature in individuals affected with CD320-related conditions. This variant is not present in population databases (gnomAD no frequency). This sequence change replaces alanine, which is neutral and non-polar, with proline, which is neutral and non-polar, at codon 47 of the CD320 protein (p.Ala47Pro).

NM_016579.4(CD320):c.139G>C (p.Ala47Pro)

Gene: CD320 (CD320 molecule; minus strand). Cytogenetic location: 19p13.2.
Variant type: single nucleotide variant.
Coding change: c.139G>C on transcript NM_016579.4 (MANE Select); coding-DNA position 139, G replaced by C.
Protein change: p.Ala47Pro; replaces alanine 47 with proline.
Molecular consequence: missense variant.
Genome position (GRCh38, 1-based): chr19:8,308,152, C>G on the plus strand (G>C on the coding strand, the complement: CD320 is on the minus strand). VCF-style: chr19-8308152-C-G. GRCh37 (hg19) VCF-style: chr19-8373036-C-G.
Other names: c.139G>C, p.Ala47Pro (NM_001165895.2); short protein forms A47P.
Identifiers: ClinVar variation 1718921 (VCV001718921.6), dbSNP rs752406137, ClinGen allele CA403718138.